The following is an entry in ClinVar:

ClinVar aggregate classification (germline): Pathogenic (1 of 4 stars; one submission).

Submission:

ISCA site 4
Classification: Pathogenic. Last evaluated: 2011-08-12. Review status: criteria provided, single submitter. Criteria: Kaminsky et al. (Genet Med. 2011). Collection method: clinical testing. Allele origin: unknown. Affected: yes. Observed: 1 variant allele.
Comment: Copy number variation identified through the course of routine clinical cytogenomic testing in postnatal populations. Clinical assertions have been curated as described in Kaminsky et al. 2011.

GRCh38/hg38 6q21-23.2(chr6:108944899-132067720)x1

Genes: AK9 (adenylate kinase 9; minus strand), AKAP7 (A-kinase anchoring protein 7; plus strand), AMD1 (adenosylmethionine decarboxylase 1; plus strand), CALHM6-AS1 (CALHM6 antisense RNA 1; minus strand), CCN2 (cellular communication network factor 2; minus strand) and 517 more. Cytogenetic location: 6q21-23.2.
Variant type: copy number loss.
Change: copy number 1 (one copy instead of two) of chr6:108,944,899-132,067,720 (23.12 Mb, GRCh38 coordinates, 1-based), cytogenetic band 6q21-23.2.
Identifiers: ClinVar variation 57486 (VCV000057486.1).